The following is an entry in ClinVar:

NM_001999.4(FBN2):c.4298G>A (p.Arg1433His)

Gene: FBN2 (fibrillin 2; minus strand). Cytogenetic location: 5q23.3.
Variant type: single nucleotide variant.
Coding change: c.4298G>A on transcript NM_001999.4 (MANE Select); coding-DNA position 4298, G replaced by A.
Protein change: p.Arg1433His; replaces arginine 1433 with histidine.
Molecular consequence: missense variant.
Genome position (GRCh38, 1-based): chr5:128,330,620, C>T on the plus strand (G>A on the coding strand, the complement: FBN2 is on the minus strand). VCF-style: chr5-128330620-C-T. GRCh37 (hg19) VCF-style: chr5-127666312-C-T.
Other names: short protein forms R1433H.
Identifiers: ClinVar variation 388711 (VCV000388711.22), dbSNP rs143462011, ClinGen allele CA3395008.

ClinVar aggregate classification (germline): Conflicting classifications of pathogenicity. Review status: criteria provided, conflicting classifications (1 of 4 stars). 7 submissions from 7 submitters: Uncertain significance (2); Benign (1); Likely benign (4). Last evaluated 2026-08-10.

Conditions:
Ehlers-Danlos syndrome (EDS). Identifiers: Orphanet 98249, MedGen C0013720, MONDO:0020066.
Connective tissue disorder. Also called: Connective tissue disease. Identifiers: MedGen C0009782, MONDO:0003900.
Congenital contractural arachnodactyly (CCA). Also called: BEALS SYNDROME; Arthrogryposis, distal, type 9; Beals-Hecht syndrome. Identifiers: Orphanet 115, MedGen C0220668, MONDO:0007363, OMIM 121050.
Familial thoracic aortic aneurysm and aortic dissection (TAAD). Also called: Thoracic aortic aneurysms and dissections. Identifiers: Orphanet 91387, MedGen C4707243, MONDO:0019625.

Allele frequency attached by ClinVar (database versions not stated): ExAC 0.00007; 1000 Genomes Project 0.00040; 1000 Genomes Project 30x 0.00047; gnomAD exomes 0.00007; TOPMed 0.00015.
gnomAD v4.1: 103 of 1,613,898 alleles (0.0064%); highest among the groups gnomAD compares: Middle Eastern, 0.099%; no homozygotes.

Submissions (7):

GeneDx
Classification: Uncertain significance. Last evaluated: 2026-08-10. Review status: criteria provided, single submitter. Criteria: GeneDx Variant Classification Process June 2021. Collection method: clinical testing. Allele origin: germline.
Comment: Has not been previously published as pathogenic or benign to our knowledge; In silico analysis supports that this missense variant has a deleterious effect on protein structure/function; Although located in a calcium-binding EGF-like domain of the FBN2 gene, it does not substitute or introduce a cysteine residue (PMID: 18767143, 19006240); This variant is associated with the following publications: (PMID: 18767143, 19006240)

Women's Health and Genetics/Laboratory Corporation of America, LabCorp
Classification: Uncertain significance. Last evaluated: 2026-04-13. Review status: criteria provided, single submitter. Criteria: LabCorp Variant Classification Summary - May 2015. Collection method: clinical testing. Allele origin: germline.

Labcorp Genetics (formerly Invitae), Labcorp
Classification: Likely benign for Congenital contractural arachnodactyly. Last evaluated: 2025-08-29. Review status: criteria provided, single submitter. Criteria: Invitae Variant Classification Sherloc (09022015). Collection method: clinical testing. Allele origin: germline.

Genome Diagnostics Laboratory, The Hospital for Sick Children
Classification: Benign for Ehlers-Danlos syndrome. Last evaluated: 2021-04-12. Review status: criteria provided, single submitter. Criteria: ACMG Guidelines, 2015. Collection method: clinical testing. Allele origin: germline.

Ambry Genetics
Classification: Likely benign for Familial thoracic aortic aneurysm and aortic dissection. Last evaluated: 2020-12-16. Review status: criteria provided, single submitter. Criteria: Ambry Variant Classification Scheme 2023. Collection method: clinical testing. Allele origin: germline.

Illumina Laboratory Services, Illumina
Classification: Likely benign for Congenital contractural arachnodactyly. Last evaluated: 2018-01-13. Review status: criteria provided, single submitter. Criteria: ICSL Variant Classification Criteria 13 December 2019. Collection method: clinical testing. Allele origin: germline.
Comment: This variant was observed in the ICSL laboratory as part of a predisposition screen in an ostensibly healthy population. It had not been previously curated by ICSL or reported in the Human Gene Mutation Database (HGMD: prior to June 1st, 2018), and was therefore a candidate for classification through an automated scoring system. Utilizing variant allele frequency, disease prevalence and penetrance estimates, and inheritance mode, an automated score was calculated to assess if this variant is too frequent to cause the disease. Based on the score and internal cut-off values, a variant classified as likely benign is not then subjected to further curation. The score for this variant resulted in a classification of likely benign for this disease.

Center for Human Genetics, Inc
Classification: Likely benign for Connective tissue disorder. Last evaluated: 2016-11-01. Review status: criteria provided, single submitter. Criteria: ACMG Guidelines, 2015. Collection method: clinical testing. Allele origin: germline. Affected: yes.